The following is an entry in ClinVar:

NM_032043.3(BRIP1):c.1313T>G (p.Leu438Arg)

Gene: BRIP1 (BRCA1 interacting DNA helicase 1; minus strand). Cytogenetic location: 17q23.2.
Variant type: single nucleotide variant.
Coding change: c.1313T>G on transcript NM_032043.3 (MANE Select); coding-DNA position 1313, T replaced by G.
Protein change: p.Leu438Arg; replaces leucine 438 with arginine.
Molecular consequence: missense variant.
Genome position (GRCh38, 1-based): chr17:61,799,127, A>C on the plus strand (T>G on the coding strand, the complement: BRIP1 is on the minus strand). VCF-style: chr17-61799127-A-C. GRCh37 (hg19) VCF-style: chr17-59876488-A-C.
Other names: short protein forms L438R.
Identifiers: ClinVar variation 483205 (VCV000483205.5), dbSNP rs1555607056, ClinGen allele CA400483422.

ClinVar aggregate classification (germline): Uncertain significance (1 of 4 stars; one submission).

Conditions:
Hereditary cancer-predisposing syndrome. Also called: Neoplastic Syndromes, Hereditary; Tumor predisposition; Hereditary Cancer Syndrome; Hereditary neoplastic syndrome. Identifiers: Orphanet 140162, MedGen C0027672, MeSH D009386, MONDO:0015356.

Submission:

Ambry Genetics
Classification: Uncertain significance for Hereditary cancer-predisposing syndrome. Last evaluated: 2017-07-14. Review status: criteria provided, single submitter. Criteria: Ambry Variant Classification Scheme 2023. Collection method: clinical testing. Allele origin: germline.
Comment: The p.L438R variant (also known as c.1313T>G), located in coding exon 8 of the BRIP1 gene, results from a T to G substitution at nucleotide position 1313. The leucine at codon 438 is replaced by arginine, an amino acid with dissimilar properties. This amino acid position is highly conserved in available vertebrate species. In addition, this alteration is predicted to be deleterious by in silico analysis. Since supporting evidence is limited at this time, the clinical significance of this alteration remains unclear.